The following is an entry in ClinVar:

NM_015450.3(POT1):c.1534A>T (p.Ile512Leu)

Gene: POT1 (protection of telomeres 1; minus strand). Cytogenetic location: 7q31.33.
Variant type: single nucleotide variant.
Coding change: c.1534A>T on transcript NM_015450.3 (MANE Select); coding-DNA position 1534, A replaced by T.
Protein change: p.Ile512Leu; replaces isoleucine 512 with leucine.
Molecular consequence: missense variant. On other transcripts: non-coding transcript variant (2).
Genome position (GRCh38, 1-based): chr7:124,829,314, T>A on the plus strand (A>T on the coding strand, the complement: POT1 is on the minus strand). VCF-style: chr7-124829314-T-A. GRCh37 (hg19) VCF-style: chr7-124469368-T-A.
Other names: c.1141A>T, p.Ile381Leu (NM_001042594.2); short protein forms I381L, I512L.
Identifiers: ClinVar variation 2840870 (VCV002840870.3), dbSNP rs1179111946, ClinGen allele CA369064570.

ClinVar aggregate classification (germline): Uncertain significance (1 of 4 stars; one submission).

Conditions:
Tumor predisposition syndrome 3 (TPDS3). Also called: LONG TELOMERE SYNDROME, POT1-RELATED; POT1 Tumor Predisposition; Melanoma, cutaneous malignant, susceptibility to, 10; Glioma susceptibility 9. Identifiers: Orphanet 618, MedGen C4014476, MONDO:0014368, OMIM 615848.

Submission:

Labcorp Genetics (formerly Invitae), Labcorp
Classification: Uncertain significance for Tumor predisposition syndrome 3. Last evaluated: 2023-02-25. Review status: criteria provided, single submitter. Criteria: Invitae Variant Classification Sherloc (09022015). Collection method: clinical testing. Allele origin: germline.
Comment: In summary, the available evidence is currently insufficient to determine the role of this variant in disease. Therefore, it has been classified as a Variant of Uncertain Significance. Advanced modeling of protein sequence and biophysical properties (such as structural, functional, and spatial information, amino acid conservation, physicochemical variation, residue mobility, and thermodynamic stability) performed at Invitae indicates that this missense variant is not expected to disrupt POT1 protein function. This variant has not been reported in the literature in individuals affected with POT1-related conditions. This variant is not present in population databases (gnomAD no frequency). This sequence change replaces isoleucine, which is neutral and non-polar, with leucine, which is neutral and non-polar, at codon 512 of the POT1 protein (p.Ile512Leu).